The following is an entry in ClinVar:

NM_001360016.2(G6PD):c.386A>C (p.His129Pro)

Gene: G6PD (glucose-6-phosphate dehydrogenase; minus strand). Cytogenetic location: Xq28.
Variant type: single nucleotide variant.
Coding change: c.386A>C on transcript NM_001360016.2 (MANE Select); coding-DNA position 386, A replaced by C.
Protein change: p.His129Pro; replaces histidine 129 with proline.
Molecular consequence: missense variant.
Genome position (GRCh38, 1-based): chrX:154,535,267, T>G on the plus strand (A>C on the coding strand, the complement: G6PD is on the minus strand). VCF-style: chrX-154535267-T-G. GRCh37 (hg19) VCF-style: chrX-153763482-T-G.
Other names: c.476A>C, p.His159Pro (NM_000402.4); c.386A>C, p.His129Pro (NM_001042351.3); short protein forms H129P, H159P.
Identifiers: ClinVar variation 3717384 (VCV003717384.2).

ClinVar aggregate classification (germline): Uncertain significance (1 of 4 stars; one submission).

Conditions:
Anemia, nonspherocytic hemolytic, due to G6PD deficiency (CNSHA1). Also called: Class I glucose-6-phosphate dehydrogenase deficiency; Favism, susceptibility to; Hemolytic anemia due to G6PD deficiency; ANEMIA, CONGENITAL, NONSPHEROCYTIC HEMOLYTIC, 1. Identifiers: Orphanet 466026, MedGen C2720289, MONDO:0010480, OMIM 300908.

gnomAD v4.1: 4 of 1,209,970 alleles (0.00033%); highest among the groups gnomAD compares: African/African-American, 0.007%; no homozygotes.

Submission:

Labcorp Genetics (formerly Invitae), Labcorp
Classification: Uncertain significance for Anemia, nonspherocytic hemolytic, due to G6PD deficiency. Last evaluated: 2024-11-23. Review status: criteria provided, single submitter. Criteria: Invitae Variant Classification Sherloc (09022015). Collection method: clinical testing. Allele origin: germline.
Comment: This sequence change replaces histidine, which is basic and polar, with proline, which is neutral and non-polar, at codon 129 of the G6PD protein (p.His129Pro). This variant is present in population databases (rs782402416, gnomAD 0.01%). This variant has not been reported in the literature in individuals affected with G6PD-related conditions. Invitae Evidence Modeling of protein sequence and biophysical properties (such as structural, functional, and spatial information, amino acid conservation, physicochemical variation, residue mobility, and thermodynamic stability) indicates that this missense variant is not expected to disrupt G6PD protein function with a negative predictive value of 95%. In summary, the available evidence is currently insufficient to determine the role of this variant in disease. Therefore, it has been classified as a Variant of Uncertain Significance.